The following is an entry in ClinVar:

NM_003072.5(SMARCA4):c.918G>C (p.Gln306His)

Gene: SMARCA4 (SWI/SNF related BAF chromatin remodeling complex subunit ATPase 4; plus strand). Cytogenetic location: 19p13.2.
Variant type: single nucleotide variant.
Coding change: c.918G>C on transcript NM_003072.5 (MANE Select); coding-DNA position 918, G replaced by C.
Protein change: p.Gln306His; replaces glutamine 306 with histidine.
Molecular consequence: missense variant. On other transcripts: non-coding transcript variant (1).
Genome position (GRCh38, 1-based): chr19:10,987,724, G>C. VCF-style: chr19-10987724-G-C. GRCh37 (hg19) VCF-style: chr19-11098400-G-C.
Other names: c.918G>C, p.Gln306His (NM_001128844.3, NM_001128845.2, NM_001128846.2 and 6 more transcripts); short protein forms Q306H.
Identifiers: ClinVar variation 2076404 (VCV002076404.4), dbSNP rs1195074995, ClinGen allele CA404058458.
Genomic context (GRCh38, chr19:10,987,724, plus strand): 5'-AGGACCCATGGCGAATGCTGCTGCCCCCACGAGCACCCCTCAGAAGCTGATTCCCCCGCA[G>C]CCAACGGGCCGCCCTTCCCCCGCGCCCCCTGCCGTCCCACCCGCCGCCTCGCCCGTGATG-3'
Protein context (NP_003063.2, residues 296-316): TSTPQKLIPP[Gln306His]PTGRPSPAPP

ClinVar aggregate classification (germline): Uncertain significance (1 of 4 stars; one submission).

Conditions:
Rhabdoid tumor predisposition syndrome 2 (RTPS2). Identifiers: Orphanet 231108, Orphanet 69077, MedGen C2750074, MONDO:0013224, OMIM 613325.

Allele frequency attached by ClinVar (database versions not stated): TOPMed below 0.00001.

Submission:

Labcorp Genetics (formerly Invitae), Labcorp
Classification: Uncertain significance for Rhabdoid tumor predisposition syndrome 2. Last evaluated: 2022-09-13. Review status: criteria provided, single submitter. Criteria: Invitae Variant Classification Sherloc (09022015). Collection method: clinical testing. Allele origin: germline.
Comment: Advanced modeling of protein sequence and biophysical properties (such as structural, functional, and spatial information, amino acid conservation, physicochemical variation, residue mobility, and thermodynamic stability) performed at Invitae indicates that this missense variant is not expected to disrupt SMARCA4 protein function. This variant has not been reported in the literature in individuals affected with SMARCA4-related conditions. This variant is not present in population databases (gnomAD no frequency). This sequence change replaces glutamine, which is neutral and polar, with histidine, which is basic and polar, at codon 306 of the SMARCA4 protein (p.Gln306His). Algorithms developed to predict the effect of sequence changes on RNA splicing suggest that this variant may disrupt the consensus splice site. In summary, the available evidence is currently insufficient to determine the role of this variant in disease. Therefore, it has been classified as a Variant of Uncertain Significance.